The following is an entry in ClinVar:

NM_001903.5(CTNNA1):c.2056G>A (p.Glu686Lys)

Gene: CTNNA1 (catenin alpha 1; plus strand). Cytogenetic location: 5q31.2.
Variant type: single nucleotide variant.
Coding change: c.2056G>A on transcript NM_001903.5 (MANE Select); coding-DNA position 2056, G replaced by A.
Protein change: p.Glu686Lys; replaces glutamic acid 686 with lysine.
Molecular consequence: missense variant.
Genome position (GRCh38, 1-based): chr5:138,930,518, G>A. VCF-style: chr5-138930518-G-A. GRCh37 (hg19) VCF-style: chr5-138266207-G-A.
Other names: c.2056G>A, p.Glu686Lys (NM_001290307.3, NM_001323982.2, NM_001323983.1 and 2 more transcripts); c.1747G>A, p.Glu583Lys (NM_001290309.3); c.1687G>A, p.Glu563Lys (NM_001290310.3); c.946G>A, p.Glu316Lys (NM_001290312.1, NM_001323992.1, NM_001323993.1 and 17 more transcripts); c.1963G>A, p.Glu655Lys (NM_001323986.2); c.607G>A, p.Glu203Lys (NM_001324006.1, NM_001324007.1, NM_001324008.1 and 2 more transcripts); c.853G>A, p.Glu285Lys (NM_001324011.1); c.703G>A, p.Glu235Lys (NM_001324012.1, NM_001324013.1); short protein forms E583K, E235K, E563K, E686K, E285K, E316K, E203K, E655K.
Identifiers: ClinVar variation 2817260 (VCV002817260.3), dbSNP rs2150334188, ClinGen allele CA361133393.
Genomic context (GRCh38, chr5:138,930,518, plus strand): 5'-TGCTTCTGATCACAGGCGATCATGGCTCAGCTTCCCCAGGAGCAAAAAGCGAAGATTGCG[G>A]AACAGGTGGCCAGCTTCCAGGAAGAAAAGAGCAAGCTGGATGCTGAAGTGTCCAAATGGG-3'
Protein context (NP_001894.2, residues 676-696): LPQEQKAKIA[Glu686Lys]QVASFQEEKS

ClinVar aggregate classification (germline): Uncertain significance (1 of 4 stars; one submission).

Submission:

Labcorp Genetics (formerly Invitae), Labcorp
Classification: Uncertain significance. Last evaluated: 2022-11-29. Review status: criteria provided, single submitter. Criteria: Invitae Variant Classification Sherloc (09022015). Collection method: clinical testing. Allele origin: germline.
Comment: In summary, the available evidence is currently insufficient to determine the role of this variant in disease. Therefore, it has been classified as a Variant of Uncertain Significance. Advanced modeling of protein sequence and biophysical properties (such as structural, functional, and spatial information, amino acid conservation, physicochemical variation, residue mobility, and thermodynamic stability) performed at Invitae indicates that this missense variant is not expected to disrupt CTNNA1 protein function. This variant has not been reported in the literature in individuals affected with CTNNA1-related conditions. This variant is not present in population databases (gnomAD no frequency). This sequence change replaces glutamic acid, which is acidic and polar, with lysine, which is basic and polar, at codon 686 of the CTNNA1 protein (p.Glu686Lys).